The following is an entry in ClinVar:

ClinVar aggregate classification (germline): Uncertain significance (1 of 4 stars; one submission).

Submission:

Women's Health and Genetics/Laboratory Corporation of America, LabCorp
Classification: Uncertain significance. Last evaluated: 2024-05-28. Review status: criteria provided, single submitter. Criteria: LabCorp Variant Classification Summary - May 2015. Collection method: clinical testing. Allele origin: germline.
Comment: Variant summary: MED12 c.1101+8_1101+9ins36 alters nucleotides located close to a canonical splice site and therefore could affect mRNA splicing, leading to a significantly altered protein sequence. Several computational tools predict a significant impact on normal splicing: Four predict the variant creates a cryptic 5' donor site. However, these predictions have yet to be confirmed by functional studies. The variant was absent in 179499 control chromosomes (gnomAD). The available data on variant occurrences in the general population are insufficient to allow any conclusion about variant significance. To our knowledge, no occurrence of c.1101+8_1101+9ins36 in individuals affected with MED12-Related Disorders and no experimental evidence demonstrating its impact on protein function have been reported. ClinVar contains an entry for this variant (Variation ID: 2682224). Based on the evidence outlined above, the variant was classified as uncertain significance.

NM_005120.3(MED12):c.1101+8_1101+9insCCTAGGCGGGTACCCTACAGCTACAGGTAGGTACCC

Gene: MED12 (mediator complex subunit 12; plus strand). Cytogenetic location: Xq13.1.
Variant type: Insertion.
Coding change: c.1101+8_1101+9insCCTAGGCGGGTACCCTACAGCTACAGGTAGGTACCC on transcript NM_005120.3 (MANE Select); bases 8 to 9 of the intron after coding-DNA position 1101, CCTAGGCGGGTACCCTACAGCTACAGGTAGGTACCC inserted.
Molecular consequence: intron variant.
Genome position: GRCh38: chrX:71,121,824-71,121,825. GRCh37 (hg19): chrX:70,341,674-70,341,675.
Identifiers: ClinVar variation 2682224 (VCV002682224.2), dbSNP rs1214824818, ClinGen allele CA1134072494.